The following is an entry in ClinVar:

ClinVar aggregate classification (germline): Uncertain significance (1 of 4 stars; one submission).

Submission:

Labcorp Genetics (formerly Invitae), Labcorp
Classification: Uncertain significance. Last evaluated: 2025-05-19. Review status: criteria provided, single submitter. Criteria: Invitae Variant Classification Sherloc (09022015). Collection method: clinical testing. Allele origin: germline.
Comment: This sequence change replaces glutamine, which is neutral and polar, with lysine, which is basic and polar, at codon 251 of the COL11A2 protein (p.Gln251Lys). This variant is not present in population databases (gnomAD no frequency). This variant has not been reported in the literature in individuals affected with COL11A2-related conditions. ClinVar contains an entry for this variant (Variation ID: 1412975). Invitae Evidence Modeling of protein sequence and biophysical properties (such as structural, functional, and spatial information, amino acid conservation, physicochemical variation, residue mobility, and thermodynamic stability) indicates that this missense variant is not expected to disrupt COL11A2 protein function with a negative predictive value of 95%. In summary, the available evidence is currently insufficient to determine the role of this variant in disease. Therefore, it has been classified as a Variant of Uncertain Significance.

NM_080680.3(COL11A2):c.751C>A (p.Gln251Lys)

Gene: COL11A2 (collagen type XI alpha 2 chain; minus strand). Cytogenetic location: 6p21.32.
Variant type: single nucleotide variant.
Coding change: c.751C>A on transcript NM_080680.3 (MANE Select); coding-DNA position 751, C replaced by A.
Protein change: p.Gln251Lys; replaces glutamine 251 with lysine.
Molecular consequence: missense variant.
Genome position (GRCh38, 1-based): chr6:33,186,674, G>T on the plus strand (C>A on the coding strand, the complement: COL11A2 is on the minus strand). VCF-style: chr6-33186674-G-T. GRCh37 (hg19) VCF-style: chr6-33154451-G-T.
Other names: c.751C>A, p.Gln251Lys (NM_001163771.2, NM_080679.3, NM_080681.3); short protein forms Q251K.
Identifiers: ClinVar variation 1412975 (VCV001412975.4), dbSNP rs2150612780, ClinGen allele CA363610196.